The following is an entry in ClinVar:

NM_003047.5(SLC9A1):c.892TTC[1] (p.Phe299del)

Gene: SLC9A1 (solute carrier family 9 member A1; minus strand). Cytogenetic location: 1p36.11.
Variant type: Microsatellite.
Coding change: c.892TTC[1] on transcript NM_003047.5 (MANE Select); one copy of the 3-base unit TTC starting at c.892; the reference has two copies in a row; one copy, 3 bases deleted.
Protein change: p.Phe299del; deletes phenylalanine 299.
Molecular consequence: inframe deletion. On other transcripts: non-coding transcript variant (1).
Genome position (GRCh38, 1-based): chr1:27,109,694-27,109,696, GAA deleted on the plus strand (TTC on the coding strand, the reverse complement: SLC9A1 is on the minus strand); deleting any 3 consecutive bases within chr1:27,109,694-27,109,700 gives the same sequence; the position shown is the placement nearest the transcript's 3' end. VCF-style (leftmost placement, unchanged base first): chr1-27109693-CGAA-C. GRCh37 (hg19) VCF-style: chr1-27436184-CGAA-C.
Other names: short protein forms F299del.
Identifiers: ClinVar variation 1338923 (VCV001338923.2), dbSNP rs760438825, ClinGen allele CA711233.
Genomic context (GRCh38, chr1:27,109,693, plus strand): 5'-AGGTGAAGGCTGCGATGACCCCGTAGACCACGCCCACAAGCACCCCGCCCAGGGCCACCA[CGAA>C]GAAGCTCAGGAAGCCGAGGAAGATGTCCACGATGCCCACGTGTTCGTAGTTGGCAAACTC-3'

ClinVar aggregate classification (germline): Uncertain significance (1 of 4 stars; one submission).

Submission:

GeneDx
Classification: Uncertain significance. Last evaluated: 2022-01-17. Review status: criteria provided, single submitter. Criteria: GeneDx Variant Classification Process June 2021. Collection method: clinical testing. Allele origin: germline. Affected: yes.
Comment: Has not been previously published as pathogenic or benign to our knowledge; In-frame deletion of 1 amino acids in a non-repeat region; Not observed at significant frequency in large population cohorts (gnomAD); In silico analysis supports a deleterious effect on protein structure/function